The following is an entry in ClinVar:

NM_012210.4(TRIM32):c.735G>T (p.Lys245Asn)

Genes: ASTN2 (astrotactin 2; minus strand), TRIM32 (tripartite motif containing 32; plus strand). Cytogenetic location: 9q33.1.
Variant type: single nucleotide variant.
Coding change: c.735G>T on transcript NM_012210.4 (MANE Select); coding-DNA position 735, G replaced by T.
Protein change: p.Lys245Asn; replaces lysine 245 with asparagine.
Molecular consequence: missense variant. On other transcripts: intron variant (3).
Genome position (GRCh38, 1-based): chr9:116,698,477, G>T. VCF-style: chr9-116698477-G-T. GRCh37 (hg19) VCF-style: chr9-119460756-G-T.
Other names: c.2653+27294C>A (NM_014010.5); c.2794+27294C>A (NM_001365069.1); c.2806+27294C>A (NM_001365068.1); c.735G>T, p.Lys245Asn (NM_001099679.2, NM_001379048.1, NM_001379049.1 and 1 more transcripts); short protein forms K245N.
Identifiers: ClinVar variation 1945252 (VCV001945252.2), dbSNP rs890942329, ClinGen allele CA374649611.

ClinVar aggregate classification (germline): Uncertain significance (1 of 4 stars; one submission).

Conditions:
Bardet-Biedl syndrome (BBS). Identifiers: Orphanet 110, MedGen C0752166, MONDO:0015229.

Submission:

Labcorp Genetics (formerly Invitae), Labcorp
Classification: Uncertain significance for Bardet-Biedl syndrome. Last evaluated: 2022-04-26. Review status: criteria provided, single submitter. Criteria: Invitae Variant Classification Sherloc (09022015). Collection method: clinical testing. Allele origin: germline.
Comment: This sequence change replaces lysine, which is basic and polar, with asparagine, which is neutral and polar, at codon 245 of the TRIM32 protein (p.Lys245Asn). This variant is not present in population databases (gnomAD no frequency). This variant has not been reported in the literature in individuals affected with TRIM32-related conditions. Algorithms developed to predict the effect of missense changes on protein structure and function (SIFT, PolyPhen-2, Align-GVGD) all suggest that this variant is likely to be tolerated. In summary, the available evidence is currently insufficient to determine the role of this variant in disease. Therefore, it has been classified as a Variant of Uncertain Significance.